The following is an entry in ClinVar:

NM_032271.3(TRAF7):c.1135+7A>G

Gene: TRAF7 (TNF receptor associated factor 7; plus strand). Cytogenetic location: 16p13.3.
Variant type: single nucleotide variant.
Coding change: c.1135+7A>G on transcript NM_032271.3 (MANE Select); 7 bases into the intron after coding-DNA position 1135, A replaced by G.
Molecular consequence: intron variant.
Genome position (GRCh38, 1-based): chr16:2,173,843, A>G. VCF-style: chr16-2173843-A-G. GRCh37 (hg19) VCF-style: chr16-2223844-A-G.
Identifiers: ClinVar variation 1699445 (VCV001699445.3), dbSNP rs2141290647, ClinGen allele CA2573130277.

ClinVar aggregate classification (germline): Uncertain significance (1 of 4 stars; one submission).

Conditions:
Cardiac, facial, and digital anomalies with developmental delay. Identifiers: Orphanet 592570, MedGen C4748484, MONDO:0032572, OMIM 618164.

Submission:

Victorian Clinical Genetics Services, Murdoch Childrens Research Institute
Classification: Uncertain significance for Cardiac, facial, and digital anomalies with developmental delay. Last evaluated: 2022-06-24. Review status: criteria provided, single submitter. Criteria: ACMG Guidelines, 2015. Collection method: clinical testing. Allele origin: germline. Inheritance: Autosomal dominant inheritance. Affected: yes.
Comment: Based on the classification scheme VCGS_Germline_v1.3.4, this variant is classified as VUS-3C. Following criteria are met: 0105 - The mechanism of disease for this gene is not clearly established. Only missense variants have been reported so far which is suggestive of a gain-of-function or dominant negative mechanism, rather than haploinsufficiency (PMID: 32376980). 0107 - This gene is associated with autosomal dominant disease. (I) 0212 - Non-canonical splice site variant without proven consequence on splicing (no functional evidence available). (SP) 0251 - This variant is heterozygous. (I) 0301 - Variant is absent from gnomAD (both v2 and v3). (SP) 0506 - Abnormal splicing is not predicted and nucleotide is poorly conserved. (SB) 0705 - No comparable splice site variants have previous evidence for pathogenicity. (I) 0807 - This variant has no previous evidence of pathogenicity. (I) 0905 - No published segregation evidence has been identified for this variant. (I) 1007 - No published functional evidence has been identified for this variant. (SP) Legend: (SP) - Supporting pathogenic, (I) - Information, (SB) - Supporting benign

Literature cited by the submitters: PubMed 32376980.